The following is an entry in ClinVar:

NM_020699.4(GATAD2B):c.614del (p.Asn205fs)

Gene: GATAD2B (GATA zinc finger domain containing 2B; minus strand). Cytogenetic location: 1q21.3.
Variant type: Deletion.
Coding change: c.614del on transcript NM_020699.4 (MANE Select); coding-DNA position 614, one base deleted (A; older notation c.614delA).
Protein change: p.Asn205fs; shifts the reading frame from asparagine 205.
Molecular consequence: frameshift variant.
Genome position (GRCh38, 1-based): chr1:153,818,155, T deleted on the plus strand (A on the coding strand, the reverse complement: GATAD2B is on the minus strand); the first of 2 consecutive T bases (chr1:153,818,155-153,818,156); deleting either gives the same sequence. VCF-style (leftmost placement, unchanged base first): chr1-153818154-AT-A. GRCh37 (hg19) VCF-style: chr1-153790630-AT-A.
Other names: short protein forms N205fs.
Identifiers: ClinVar variation 1711854 (VCV001711854.1), dbSNP rs2525256748, ClinGen allele CA2580061071.

ClinVar aggregate classification (germline): Likely pathogenic (1 of 4 stars; one submission).

Conditions:
Severe intellectual disability-poor language-strabismus-grimacing face-long fingers syndrome (GAND). Also called: GAND SYNDROME. Identifiers: Orphanet 363686, MedGen C3554448, MONDO:0014034, OMIM 615074.

Submission:

Breda Genetics srl
Classification: Likely pathogenic for Severe intellectual disability-poor language-strabismus-grimacing face-long fingers syndrome. Last evaluated: 2022-07-15. Review status: criteria provided, single submitter. Criteria: ACMG Guidelines, 2015. Collection method: clinical testing. Allele origin: de novo. Inheritance: Autosomal dominant inheritance. Affected: yes. Observed: 1 variant allele, 1 heterozygote.
Comment: The variant c.614del (p.Asn205Metfs*35) in the GATAD2B gene creates a shift in the reading frame which is predicted to result in a premature stop codon 35 amino acids downstream, which is likely to result in a truncated protein or protein loss due to nonsense-mediated messenger decay (NMD). This variant has not been reported in dbSNP, gnomAD, 1000 Genomes Project or ClinVar.